The following is an entry in ClinVar:

NM_001367624.2(ZNF469):c.5152C>G (p.Gln1718Glu)

Gene: ZNF469 (zinc finger protein 469; plus strand). Cytogenetic location: 16q24.2.
Variant type: single nucleotide variant.
Coding change: c.5152C>G on transcript NM_001367624.2 (MANE Select); coding-DNA position 5152, C replaced by G.
Protein change: p.Gln1718Glu; replaces glutamine 1718 with glutamic acid.
Molecular consequence: missense variant.
Genome position (GRCh38, 1-based): chr16:88,432,622, C>G. VCF-style: chr16-88432622-C-G. GRCh37 (hg19) VCF-style: chr16-88499030-C-G.
Other names: NM_001127464.1:c.5068C>G; short protein forms Q1718E.
Identifiers: ClinVar variation 3987360 (VCV003987360.1).

ClinVar aggregate classification (germline): Uncertain significance (1 of 4 stars; one submission).

Conditions:
Cardiovascular phenotype. Identifiers: MedGen CN230736.

gnomAD v4.1: 2 of 1,550,312 alleles (0.00013%); highest among the groups gnomAD compares: African/African-American, 0.0027%; no homozygotes.

Submission:

Ambry Genetics
Classification: Uncertain significance for Cardiovascular phenotype. Last evaluated: 2025-05-24. Review status: criteria provided, single submitter. Criteria: Ambry Variant Classification Scheme 2023. Collection method: clinical testing. Allele origin: germline.
Comment: The p.Q1690E variant (also known as c.5068C>G), located in coding exon 2 of the ZNF469 gene, results from a C to G substitution at nucleotide position 5068. The glutamine at codon 1690 is replaced by glutamic acid, an amino acid with highly similar properties. This amino acid position is conserved. In addition, this alteration is predicted to be tolerated by in silico analysis. Based on the available evidence, the clinical significance of this variant remains unclear.